The following is an entry in ClinVar:

ClinVar aggregate classification (germline): Uncertain significance. Review status: criteria provided, multiple submitters, no conflicts (2 of 4 stars). 2 submissions from 2 submitters: Uncertain significance (2). Last evaluated 2024-04-25.

Conditions:
Glycogen storage disease, type II (IOPD). Also called: Pompe Disease; POMPE DISEASE, INFANTILE-ONSET; GLYCOGEN STORAGE DISEASE II, INFANTILE-ONSET; ACID ALPHA-GLUCOSIDASE DEFICIENCY, INFANTILE-ONSET; GAA DEFICIENCY, INFANTILE-ONSET; ACID MALTASE DEFICIENCY, INFANTILE-ONSET. Identifiers: Orphanet 365, MedGen C0017921, MONDO:0009290, OMIM 232300.

Allele frequency attached by ClinVar (database versions not stated): TOPMed below 0.00001; gnomAD exomes 0.00001 and 0.00002; ExAC 0.00002; gnomAD 0.00003.
gnomAD v4.1: 17 of 1,613,724 alleles (0.0011%); highest among the groups gnomAD compares: South Asian, 0.0088%; no homozygotes.

Submissions (2):

Labcorp Genetics (formerly Invitae), Labcorp
Classification: Uncertain significance for Glycogen storage disease, type II. Last evaluated: 2024-04-25. Review status: criteria provided, single submitter. Criteria: Invitae Variant Classification Sherloc (09022015). Collection method: clinical testing. Allele origin: germline.
Comment: This sequence change replaces alanine, which is neutral and non-polar, with valine, which is neutral and non-polar, at codon 554 of the GAA protein (p.Ala554Val). This variant is present in population databases (rs772260861, gnomAD 0.01%). This variant has not been reported in the literature in individuals affected with GAA-related conditions. ClinVar contains an entry for this variant (Variation ID: 498953). Advanced modeling of protein sequence and biophysical properties (such as structural, functional, and spatial information, amino acid conservation, physicochemical variation, residue mobility, and thermodynamic stability) performed at Invitae indicates that this missense variant is not expected to disrupt GAA protein function with a negative predictive value of 95%. In summary, the available evidence is currently insufficient to determine the role of this variant in disease. Therefore, it has been classified as a Variant of Uncertain Significance.

Eurofins Ntd Llc (ga)
Classification: Uncertain significance. Last evaluated: 2016-12-10. Review status: criteria provided, single submitter. Criteria: EGL Classification Definitions 2015. Collection method: clinical testing. Allele origin: germline. Observed: 1 variant allele, 1 heterozygote.

NM_000152.5(GAA):c.1661C>T (p.Ala554Val)

Gene: GAA (alpha glucosidase; plus strand). Cytogenetic location: 17q25.3.
Variant type: single nucleotide variant.
Coding change: c.1661C>T on transcript NM_000152.5 (MANE Select); coding-DNA position 1661, C replaced by T.
Protein change: p.Ala554Val; replaces alanine 554 with valine.
Molecular consequence: missense variant.
Genome position (GRCh38, 1-based): chr17:80,112,007, C>T. VCF-style: chr17-80112007-C-T. GRCh37 (hg19) VCF-style: chr17-78085806-C-T.
Other names: c.1661C>T, p.Ala554Val (NM_001079803.3, NM_001079804.3); short protein forms A554V.
Identifiers: ClinVar variation 498953 (VCV000498953.9), dbSNP rs772260861, ClinGen allele CA8815431.